The following is an entry in ClinVar:

NM_001039141.3(TRIOBP):c.4436del (p.Gly1479fs)

Gene: TRIOBP (TRIO and F-actin binding protein; plus strand). Cytogenetic location: 22q13.1.
Variant type: Deletion.
Coding change: c.4436del on transcript NM_001039141.3 (MANE Select); coding-DNA position 4436, one base deleted (G; older notation c.4436delG).
Protein change: p.Gly1479fs; shifts the reading frame from glycine 1479.
Molecular consequence: frameshift variant.
Genome position (GRCh38, 1-based): chr22:37,734,772, G deleted; the last of 7 consecutive G bases (chr22:37,734,766-37,734,772); deleting any one gives the same sequence. VCF-style (leftmost placement, unchanged base first): chr22-37734765-TG-T. GRCh37 (hg19) VCF-style: chr22-38130772-TG-T.
Other names: short protein forms G1479fs.
Identifiers: ClinVar variation 1064955 (VCV001064955.4), dbSNP rs756145453, ClinGen allele CA10224377.
Genomic context (GRCh38, chr22:37,734,765, plus strand): 5'-GGGGGCTGGTGGGGATGTGGAGAGCCCAGCCTGGGGGCAGCCAAAGCCCCGGAGGGAGCA[TG>T]GGGGGGCACTTCCAGGGAGTACAAGGAGAGCTGGGGGCAGCCAGAGGCCTGGGAGGAGAA-3'

ClinVar aggregate classification (germline): Likely pathogenic. Review status: criteria provided, multiple submitters, no conflicts (2 of 4 stars). 2 submissions from 2 submitters: Likely pathogenic (2). Last evaluated 2021-04-12.

Conditions:
TRIOBP-related disorder. Also called: TRIOBP-related condition.
Hearing impairment. Also called: Impaired Hearing. Identifiers: MedGen C1384666, MONDO:0005365, HP:0000365.

Submissions (2):

Department of Otolaryngology – Head & Neck Surgery, Cochlear Implant Center
Classification: Likely pathogenic for Hearing impairment. Last evaluated: 2021-04-12. Review status: criteria provided, single submitter. Criteria: ClinGen HL ACMG Specifications v1. Collection method: clinical testing. Allele origin: germline. Affected: yes.
Comment: PVS1_Strong, PM2_Moderate

Blueprint Genetics
Classification: Likely pathogenic for TRIOBP-related disorders. Last evaluated: 2019-02-07. Review status: criteria provided, single submitter. Criteria: ACMG Guidelines, 2015. Collection method: clinical testing. Allele origin: germline. Affected: yes. Observed: 1 variant allele.